The following is an entry in ClinVar:

NM_001042492.3(NF1):c.2471G>T (p.Gly824Val)

Gene: NF1 (neurofibromin 1; plus strand). Cytogenetic location: 17q11.2.
Variant type: single nucleotide variant.
Coding change: c.2471G>T on transcript NM_001042492.3 (MANE Select); coding-DNA position 2471, G replaced by T.
Protein change: p.Gly824Val; replaces glycine 824 with valine.
Molecular consequence: missense variant.
Genome position (GRCh38, 1-based): chr17:31,229,086, G>T. VCF-style: chr17-31229086-G-T. GRCh37 (hg19) VCF-style: chr17-29556104-G-T.
Other names: c.2471G>T, p.Gly824Val (NM_000267.4); short protein forms G824V.
Identifiers: ClinVar variation 954602 (VCV000954602.7), dbSNP rs2067065647, ClinGen allele CA398983996.

ClinVar aggregate classification (germline): Conflicting classifications of pathogenicity. Review status: criteria provided, conflicting classifications (1 of 4 stars). 2 submissions from 2 submitters: Uncertain significance (1); Benign (1). Last evaluated 2026-01-27.

Conditions:
Cardiovascular phenotype. Identifiers: MedGen CN230736.
Hereditary cancer-predisposing syndrome. Also called: Hereditary neoplastic syndrome; Tumor predisposition; Neoplastic Syndromes, Hereditary; Hereditary Cancer Syndrome. Identifiers: Orphanet 140162, MedGen C0027672, MeSH D009386, MONDO:0015356.
Neurofibromatosis, type 1 (NF1). Also called: VON RECKLINGHAUSEN DISEASE; NEUROFIBROMATOSIS, TYPE I, SOMATIC; Peripheral type neurofibromatosis; Neurofibromatosis, type I. Identifiers: Orphanet 636, MedGen C0027831, MONDO:0018975, OMIM 162200. Disease mechanism: loss of function.

Allele frequency attached by ClinVar (database versions not stated): gnomAD exomes below 0.00001.
gnomAD v4.1: 1 of 1,611,894 alleles (0.000062%); highest among the groups gnomAD compares: Non-Finnish European, 0.000085%; no homozygotes.

Submissions (2):

Labcorp Genetics (formerly Invitae), Labcorp
Classification: Benign for Neurofibromatosis, type 1. Last evaluated: 2026-01-27. Review status: criteria provided, single submitter. Criteria: Invitae Variant Classification Sherloc (09022015). Collection method: clinical testing. Allele origin: germline.

Ambry Genetics
Classification: Uncertain significance for Cardiovascular phenotype; Hereditary cancer-predisposing syndrome. Last evaluated: 2024-08-30. Review status: criteria provided, single submitter. Criteria: Ambry Variant Classification Scheme 2023. Collection method: clinical testing. Allele origin: germline.
Comment: The p.G824V variant (also known as c.2471G>T), located in coding exon 21 of the NF1 gene, results from a G to T substitution at nucleotide position 2471. The glycine at codon 824 is replaced by valine, an amino acid with dissimilar properties. This amino acid position is conserved. In addition, the in silico prediction for this alteration is inconclusive. Based on the available evidence, the clinical significance of this variant remains unclear.